The following is an entry in ClinVar:

ClinVar aggregate classification (germline): Uncertain significance (1 of 4 stars; one submission).

Conditions:
Paroxysmal nonkinesigenic dyskinesia. Also called: Paroxysmal non-kinesigenic dyskinesia. Identifiers: Orphanet 98810, MedGen C1869117, MONDO:0700088.

Submission:

Labcorp Genetics (formerly Invitae), Labcorp
Classification: Uncertain significance for Paroxysmal nonkinesigenic dyskinesia. Last evaluated: 2025-08-22. Review status: criteria provided, single submitter. Criteria: Invitae Variant Classification Sherloc (09022015). Collection method: clinical testing. Allele origin: germline.
Comment: This sequence change creates a premature translational stop signal (p.Val278Alafs*6) in the PNKD gene. It is expected to result in an absent or disrupted protein product. However, the current clinical and genetic evidence is not sufficient to establish whether loss-of-function variants in PNKD cause disease. This variant is present in population databases (no rsID available, gnomAD 0.06%). This variant has not been reported in the literature in individuals affected with PNKD-related conditions. Algorithms developed to predict the effect of sequence changes on RNA splicing suggest that this variant may disrupt the consensus splice site. In summary, the available evidence is currently insufficient to determine the role of this variant in disease. Therefore, it has been classified as a Variant of Uncertain Significance.

NM_015488.5(PNKD):c.833_834del (p.Val278fs)

Genes: CATIP-AS2 (CATIP antisense RNA 2; minus strand), PNKD (PNKD metallo-beta-lactamase domain containing; plus strand). Cytogenetic location: 2q35.
Variant type: Microsatellite.
Coding change: c.833_834del on transcript NM_015488.5 (MANE Select); coding-DNA positions 833 to 834, 2 bases deleted (TG; older notation c.833_834delTG).
Protein change: p.Val278fs; shifts the reading frame from valine 278.
Molecular consequence: frameshift variant.
Genome position (GRCh38, 1-based): chr2:218,343,551-218,343,552, TG deleted; deleting any 2 consecutive bases within chr2:218,343,549-218,343,552 gives the same sequence; the c. name uses the placement nearest the transcript's 3' end. VCF-style (leftmost placement, unchanged base first): chr2-218343548-CTG-C. GRCh37 (hg19) VCF-style: chr2-219208271-CTG-C.
Other names: c.759_760TG[1], p.Val254Alafs (NM_022572.5); short protein forms V278fs, V254fs.
Identifiers: ClinVar variation 2746458 (VCV002746458.3), dbSNP rs1360085184, ClinGen allele CA539587067.